The following is an entry in ClinVar:

ClinVar aggregate classification (germline): Uncertain significance (1 of 4 stars; one submission).

gnomAD v4.1: 1 of 1,563,188 alleles (0.000064%); highest among the groups gnomAD compares: Non-Finnish European, 0.000087%; no homozygotes.

Submission:

GeneDx
Classification: Uncertain significance. Last evaluated: 2023-11-27. Review status: criteria provided, single submitter. Criteria: GeneDx Variant Classification Process June 2021. Collection method: clinical testing. Allele origin: germline. Affected: yes.
Comment: Not observed at significant frequency in large population cohorts (gnomAD); In silico analysis supports that this missense variant does not alter protein structure/function; Has not been previously published as pathogenic or benign to our knowledge

NM_024496.4(IRF2BPL):c.2123C>G (p.Ala708Gly)

Gene: IRF2BPL (interferon regulatory factor 2 binding protein like; minus strand). Cytogenetic location: 14q24.3.
Variant type: single nucleotide variant.
Coding change: c.2123C>G on transcript NM_024496.4 (MANE Select); coding-DNA position 2123, C replaced by G.
Protein change: p.Ala708Gly; replaces alanine 708 with glycine.
Molecular consequence: missense variant.
Genome position (GRCh38, 1-based): chr14:77,025,670, G>C on the plus strand (C>G on the coding strand, the complement: IRF2BPL is on the minus strand). VCF-style: chr14-77025670-G-C. GRCh37 (hg19) VCF-style: chr14-77492013-G-C.
Other names: short protein forms A708G.
Identifiers: ClinVar variation 3364802 (VCV003364802.1).